The following is an entry in ClinVar:

NM_012309.5(SHANK2):c.4563C>G (p.Ser1521=)

Gene: SHANK2 (SH3 and multiple ankyrin repeat domains 2; minus strand). Cytogenetic location: 11q13.3.
Variant type: single nucleotide variant.
Coding change: c.4563C>G on transcript NM_012309.5 (MANE Select); coding-DNA position 4563, C replaced by G.
Protein change: p.Ser1521=; no amino-acid change (serine 1521 retained).
Molecular consequence: synonymous variant.
Genome position (GRCh38, 1-based): chr11:70,485,730, G>C on the plus strand (C>G on the coding strand, the complement: SHANK2 is on the minus strand). VCF-style: chr11-70485730-G-C. GRCh37 (hg19) VCF-style: chr11-70331835-G-C.
Other names: c.3426C>G, p.Ser1142= (NM_001379226.1); c.4683C>G, p.Ser1561= (NM_001441024.1); c.4512C>G, p.Ser1504= (NM_001441025.1, NM_001441026.1, NM_001441027.1 and 8 more transcripts); c.4485C>G, p.Ser1495= (NM_001441035.1, NM_001441036.1, NM_001441037.1); c.4440C>G, p.Ser1480= (NM_001441038.1); c.3396C>G, p.Ser1132= (NM_001441040.1); c.3348C>G, p.Ser1116= (NM_001441041.1); c.2790C>G, p.Ser930= (NM_001441042.1); and 6 more.
Identifiers: ClinVar variation 5039159 (VCV005039159.1).

ClinVar aggregate classification (germline): Likely benign (1 of 4 stars; one submission).

Submission:

CeGaT Center for Human Genetics Tuebingen
Classification: Likely benign. Last evaluated: 2026-07-01. Review status: criteria provided, single submitter. Criteria: CeGaT Center For Human Genetics Tuebingen Variant Classification Criteria Version 2. Collection method: clinical testing. Allele origin: germline. Affected: yes. Observed: 1 variant allele.
Comment: SHANK2: PM2:Supporting, BP4, BP7